The following is an entry in ClinVar:

ClinVar aggregate classification (germline): Conflicting classifications of pathogenicity. Review status: criteria provided, conflicting classifications (1 of 4 stars). 3 submissions from 3 submitters: Likely pathogenic (1); Uncertain significance (1). 1 of the submissions does not count toward it. Last evaluated 2023-03-01.

Conditions:
Peroxisome biogenesis disorder 9B. Also called: Refsum disease, adult, 2; PEX7-Related Refsum Disease; PEROXISOME BIOGENESIS DISORDER, PEX7-RELATED, ATYPICAL. Identifiers: Orphanet 773, MedGen C2749346, MONDO:0013945, OMIM 614879.
Rhizomelic chondrodysplasia punctata type 1 (RCDP1). Also called: CHONDRODYSTROPHIA CALCIFICANS PUNCTATA; PEX7-Related Rhizomelic Chondrodysplasia Punctata; PEROXISOME BIOGENESIS DISORDER 9. Identifiers: Orphanet 177, Orphanet 309789, MedGen C1859133, MONDO:0008972, OMIM 215100. Disease mechanism: loss of function.

Submissions (3):

Baylor Genetics
Classification: Likely pathogenic for Peroxisome biogenesis disorder 9B. Last evaluated: 2023-03-01. Review status: criteria provided, single submitter. Criteria: ACMG Guidelines, 2015. Collection method: clinical testing. Allele origin: unknown.

Labcorp Genetics (formerly Invitae), Labcorp
Classification: Uncertain significance for Peroxisome biogenesis disorder 9B. Last evaluated: 2022-10-17. Review status: criteria provided, single submitter. Criteria: Invitae Variant Classification Sherloc (09022015). Collection method: clinical testing. Allele origin: germline.
Comment: This sequence change replaces serine, which is neutral and polar, with phenylalanine, which is neutral and non-polar, at codon 25 of the PEX7 protein (p.Ser25Phe). This variant is not present in population databases (gnomAD no frequency). This missense change has been observed in individual(s) with clinical features of PEX7-related conditions (Invitae). ClinVar contains an entry for this variant (Variation ID: 188918). Algorithms developed to predict the effect of missense changes on protein structure and function (SIFT, PolyPhen-2, Align-GVGD) all suggest that this variant is likely to be disruptive. Experimental studies have shown that this missense change affects PEX7 function (PMID: 12325024). In summary, the available evidence is currently insufficient to determine the role of this variant in disease. Therefore, it has been classified as a Variant of Uncertain Significance.

Counsyl
Classification: Likely pathogenic for Rhizomelic chondrodysplasia punctata type 1. Last evaluated: 2014-08-12. Review status: no assertion criteria provided. Collection method: literature only. Allele origin: unknown. Inheritance: Autosomal recessive inheritance. Not counted in ClinVar's aggregate classification.

Literature cited by the submitters: PubMed 12325024 (cited by Labcorp Genetics (formerly Invitae), Labcorp and Counsyl); PubMed 23352163 (cited by Counsyl).

NM_000288.4(PEX7):c.74C>T (p.Ser25Phe)

Gene: PEX7 (peroxisomal biogenesis factor 7; plus strand). Cytogenetic location: 6q23.3.
Variant type: single nucleotide variant.
Coding change: c.74C>T on transcript NM_000288.4 (MANE Select); coding-DNA position 74, C replaced by T.
Protein change: p.Ser25Phe; replaces serine 25 with phenylalanine.
Molecular consequence: missense variant.
Genome position (GRCh38, 1-based): chr6:136,822,739, C>T. VCF-style: chr6-136822739-C-T. GRCh37 (hg19) VCF-style: chr6-137143877-C-T.
Other names: short protein forms S25F.
Identifiers: ClinVar variation 188918 (VCV000188918.8), dbSNP rs61753236, ClinGen allele CA274123.